The following is an entry in ClinVar:

NM_001042492.3(NF1):c.4090G>A (p.Val1364Met)

Gene: NF1 (neurofibromin 1; plus strand). Cytogenetic location: 17q11.2.
Variant type: single nucleotide variant.
Coding change: c.4090G>A on transcript NM_001042492.3 (MANE Select); coding-DNA position 4090, G replaced by A.
Protein change: p.Val1364Met; replaces valine 1364 with methionine.
Molecular consequence: missense variant.
Genome position (GRCh38, 1-based): chr17:31,249,099, G>A. VCF-style: chr17-31249099-G-A. GRCh37 (hg19) VCF-style: chr17-29576117-G-A.
Other names: c.4090G>A, p.Val1364Met (NM_000267.4); short protein forms V1364M.
Identifiers: ClinVar variation 835168 (VCV000835168.6), dbSNP rs749748720, ClinGen allele CA8486323.

ClinVar aggregate classification (germline): Uncertain significance. Review status: criteria provided, multiple submitters, no conflicts (2 of 4 stars). 2 submissions from 2 submitters: Uncertain significance (2). Last evaluated 2025-07-07.

Conditions:
Hereditary cancer-predisposing syndrome. Also called: Neoplastic Syndromes, Hereditary; Hereditary neoplastic syndrome; Tumor predisposition; Hereditary Cancer Syndrome. Identifiers: Orphanet 140162, MedGen C0027672, MeSH D009386, MONDO:0015356.
Cardiovascular phenotype. Identifiers: MedGen CN230736.
Neurofibromatosis, type 1 (NF1). Also called: Peripheral type neurofibromatosis; Neurofibromatosis, type I; VON RECKLINGHAUSEN DISEASE; NEUROFIBROMATOSIS, TYPE I, SOMATIC. Identifiers: Orphanet 636, MedGen C0027831, MONDO:0018975, OMIM 162200. Disease mechanism: loss of function.

Allele frequency attached by ClinVar (database versions not stated): gnomAD exomes below 0.00001; ExAC 0.00001.

Submissions (2):

Ambry Genetics
Classification: Uncertain significance for Cardiovascular phenotype; Hereditary cancer-predisposing syndrome. Last evaluated: 2025-07-07. Review status: criteria provided, single submitter. Criteria: Ambry Variant Classification Scheme 2023. Collection method: clinical testing. Allele origin: germline.
Comment: The p.V1364M variant (also known as c.4090G>A), located in coding exon 30 of the NF1 gene, results from a G to A substitution at nucleotide position 4090. The valine at codon 1364 is replaced by methionine, an amino acid with highly similar properties. This amino acid position is highly conserved in available vertebrate species. In addition, this alteration is predicted to be deleterious by in silico analysis. Based on the available evidence, the clinical significance of this variant remains unclear.

Labcorp Genetics (formerly Invitae), Labcorp
Classification: Uncertain significance for Neurofibromatosis, type 1. Last evaluated: 2021-08-27. Review status: criteria provided, single submitter. Criteria: Invitae Variant Classification Sherloc (09022015). Collection method: clinical testing. Allele origin: germline.
Comment: This sequence change replaces valine with methionine at codon 1364 of the NF1 protein (p.Val1364Met). The valine residue is moderately conserved and there is a small physicochemical difference between valine and methionine. This variant is present in population databases (rs749748720, ExAC 0.001%). This variant has not been reported in the literature in individuals affected with NF1-related conditions. Algorithms developed to predict the effect of missense changes on protein structure and function are either unavailable or do not agree on the potential impact of this missense change (SIFT: "Deleterious"; PolyPhen-2: "Probably Damaging"; Align-GVGD: "Class C0"). In summary, the available evidence is currently insufficient to determine the role of this variant in disease. Therefore, it has been classified as a Variant of Uncertain Significance.